The following is an entry in ClinVar:

ClinVar aggregate classification (germline): Uncertain significance (1 of 4 stars; one submission).

Submission:

Ambry Genetics
Classification: Uncertain significance. Last evaluated: 2025-08-24. Review status: criteria provided, single submitter. Criteria: Ambry Variant Classification Scheme 2023. Collection method: clinical testing. Allele origin: germline.
Comment: The p.K845E variant (also known as c.2533A>G), located in coding exon 1 of the TET2 gene, results from an A to G substitution at nucleotide position 2533. The lysine at codon 845 is replaced by glutamic acid, an amino acid with similar properties. This amino acid position is conserved. In addition, this alteration is predicted to be tolerated by in silico analysis. Based on the available evidence, the clinical significance of this variant remains unclear.

NM_001127208.3(TET2):c.2533A>G (p.Lys845Glu)

Genes: TET2 (tet methylcytosine dioxygenase 2; plus strand), TET2-AS1 (TET2 antisense RNA 1; minus strand). Cytogenetic location: 4q24.
Variant type: single nucleotide variant.
Coding change: c.2533A>G on transcript NM_001127208.3 (MANE Select); coding-DNA position 2533, A replaced by G.
Protein change: p.Lys845Glu; replaces lysine 845 with glutamic acid.
Molecular consequence: missense variant.
Genome position (GRCh38, 1-based): chr4:105,236,475, A>G. VCF-style: chr4-105236475-A-G. GRCh37 (hg19) VCF-style: chr4-106157632-A-G.
Other names: c.2533A>G, p.Lys845Glu (NM_017628.4); short protein forms K845E.
Identifiers: ClinVar variation 4183030 (VCV004183030.1).